The following is an entry in ClinVar:

NM_018052.5(VAC14):c.2310C>T (p.Ser770=)

Gene: VAC14 (VAC14 component of PIKFYVE complex; minus strand). Cytogenetic location: 16q22.1.
Variant type: single nucleotide variant.
Coding change: c.2310C>T on transcript NM_018052.5 (MANE Select); coding-DNA position 2310, C replaced by T.
Protein change: p.Ser770=; no amino-acid change (serine 770 retained).
Molecular consequence: synonymous variant.
Genome position (GRCh38, 1-based): chr16:70,687,967, G>A on the plus strand (C>T on the coding strand, the complement: VAC14 is on the minus strand). VCF-style: chr16-70687967-G-A. GRCh37 (hg19) VCF-style: chr16-70721870-G-A.
Other names: c.1608C>T, p.Ser536= (NM_001351157.2).
Identifiers: ClinVar variation 797731 (VCV000797731.11), dbSNP rs200092069, ClinGen allele CA8147326.

ClinVar aggregate classification (germline): Likely benign. Review status: criteria provided, multiple submitters, no conflicts (2 of 4 stars). 2 submissions from 2 submitters: Likely benign (2). Last evaluated 2026-07-01.

Allele frequency attached by ClinVar (database versions not stated): gnomAD 0.00010; TOPMed 0.00012; 1000 Genomes Project 30x 0.00016; 1000 Genomes Project 0.00020.
gnomAD v4.1: 92 of 1,589,588 alleles (0.0058%); highest among the groups gnomAD compares: Middle Eastern, 0.02%; no homozygotes.

Submissions (2):

CeGaT Center for Human Genetics Tuebingen
Classification: Likely benign. Last evaluated: 2026-07-01. Review status: criteria provided, single submitter. Criteria: CeGaT Center For Human Genetics Tuebingen Variant Classification Criteria Version 2. Collection method: clinical testing. Allele origin: germline. Affected: yes. Observed: 1 variant allele.
Comment: VAC14: BP4, BP7

Labcorp Genetics (formerly Invitae), Labcorp
Classification: Likely benign. Last evaluated: 2025-06-15. Review status: criteria provided, single submitter. Criteria: Invitae Variant Classification Sherloc (09022015). Collection method: clinical testing. Allele origin: germline.